The following is an entry in ClinVar:

ClinVar aggregate classification (germline): Uncertain significance. Review status: criteria provided, multiple submitters, no conflicts (2 of 4 stars). 2 submissions from 2 submitters: Uncertain significance (2). Last evaluated 2023-09-12.

Conditions:
Hereditary cancer-predisposing syndrome. Also called: Hereditary Cancer Syndrome; Hereditary neoplastic syndrome; Neoplastic Syndromes, Hereditary; Tumor predisposition. Identifiers: Orphanet 140162, MedGen C0027672, MeSH D009386, MONDO:0015356.
Multiple endocrine neoplasia, type 1 (MEN1). Also called: MEA I; MEN I; WERMER SYNDROME; Endocrine adenomatosis multiple; MEN 1. Identifiers: Orphanet 652, MedGen C0025267, MeSH D018761, MONDO:0007540, OMIM 131100.

Submissions (2):

Ambry Genetics
Classification: Uncertain significance for Hereditary cancer-predisposing syndrome. Last evaluated: 2023-09-12. Review status: criteria provided, single submitter. Criteria: Ambry Variant Classification Scheme 2023. Collection method: clinical testing. Allele origin: germline.
Comment: The p.L117Q variant (also known as c.350T>A), located in coding exon 1 of the MEN1 gene, results from a T to A substitution at nucleotide position 350. The leucine at codon 117 is replaced by glutamine, an amino acid with dissimilar properties. This amino acid position is conserved. In addition, this alteration is predicted to be deleterious by in silico analysis. Since supporting evidence is limited at this time, the clinical significance of this alteration remains unclear.

Labcorp Genetics (formerly Invitae), Labcorp
Classification: Uncertain significance for Multiple endocrine neoplasia, type 1. Last evaluated: 2022-10-03. Review status: criteria provided, single submitter. Criteria: Invitae Variant Classification Sherloc (09022015). Collection method: clinical testing. Allele origin: germline.
Comment: In summary, the available evidence is currently insufficient to determine the role of this variant in disease. Therefore, it has been classified as a Variant of Uncertain Significance. Algorithms developed to predict the effect of sequence changes on RNA splicing suggest that this variant may create or strengthen a splice site. Advanced modeling of protein sequence and biophysical properties (such as structural, functional, and spatial information, amino acid conservation, physicochemical variation, residue mobility, and thermodynamic stability) performed at Invitae indicates that this missense variant is expected to disrupt MEN1 protein function. This variant has not been reported in the literature in individuals affected with MEN1-related conditions. This variant is not present in population databases (gnomAD no frequency). This sequence change replaces leucine, which is neutral and non-polar, with glutamine, which is neutral and polar, at codon 117 of the MEN1 protein (p.Leu117Gln).

NM_001370259.2(MEN1):c.350T>A (p.Leu117Gln)

Gene: MEN1 (menin 1; minus strand). Cytogenetic location: 11q13.1.
Variant type: single nucleotide variant.
Coding change: c.350T>A on transcript NM_001370259.2 (MANE Select); coding-DNA position 350, T replaced by A.
Protein change: p.Leu117Gln; replaces leucine 117 with glutamine.
Molecular consequence: missense variant.
Genome position (GRCh38, 1-based): chr11:64,809,760, A>T on the plus strand (T>A on the coding strand, the complement: MEN1 is on the minus strand). VCF-style: chr11-64809760-A-T. GRCh37 (hg19) VCF-style: chr11-64577232-A-T.
Other names: c.350T>A, p.Leu117Gln (NM_000244.4, NM_001370251.2, NM_001370260.2 and 20 more transcripts); short protein forms L117Q.
Identifiers: ClinVar variation 1720860 (VCV001720860.7), dbSNP rs2136182369, ClinGen allele CA381187351.
Genomic context (GRCh38, chr11:64,809,760, plus strand): 5'-CGATCCTTGAAGTAGGAGCGGCTGAGGCTGTTCCATATGACATCGGAGACCTTCTTCACC[A>T]GCTCACGGCTGGAGACACCCCCTTCTCGAGGATAGAGGGACAGGTCGACGGCGCCTCGGA-3'
Protein context (NP_001357188.2, residues 107-127): PREGGVSSRE[Leu117Gln]VKKVSDVIWN